The following is an entry in ClinVar:

ClinVar aggregate classification (germline): Likely pathogenic (1 of 4 stars; one submission).

Conditions:
Neuronal ceroid lipofuscinosis 5 (CLN5). Also called: Neuronal ceroid lipofuscinosis Finnish variant; NEURONAL CEROID LIPOFUSCINOSIS, LATE INFANTILE, FINNISH VARIANT; CEROID LIPOFUSCINOSIS, NEURONAL, 5, VARIABLE AGE AT ONSET; CLN5-Related Neuronal Ceroid-Lipofuscinosis. Identifiers: Orphanet 168491, Orphanet 228360, MedGen C1850442, MONDO:0009745, OMIM 256731.

Submission:

Human Genome Lab, NIMHANS, National Institute of Mental Health and Neuro Sciences
Classification: Likely pathogenic for Neuronal ceroid lipofuscinosis 5. Review status: criteria provided, single submitter. Criteria: ACMG Guidelines, 2015. Collection method: clinical testing. Allele origin: germline. Inheritance: Autosomal recessive inheritance. Affected: yes. Observed: 1 homozygote.
Comment: The stop gained NM_006493.4:c.525G>A has not been reported previously as a pathogenic variant nor as a benign variant, to our knowledge. The NP_006484.2:p.Trp175Ter variant is novel (not in any individuals) in 1000 Genomes, in gnomAD as well as in our inhouse database. This variant is predicted to cause loss of normal protein function through protein truncation (As this variant is 41 base pairs from the penultimate exon junction of CLN5, it is not predicted to cause nonsense mediated decay). There are 44 downstream pathogenic loss of function variants, with the furthest variant being 181 residues downstream of this variant. This indicates that the region is critical to protein function. The p.Trp175Ter variant is a loss of function variant in the gene CLN5, which is intolerant of Loss of Function variants, as indicated by the presence of existing pathogenic loss of function variant NP_006484.2:p.W26* and 41 others. In addition, the patient's clinical phenotype matches with that of the disorder caused by pathogenic variants in CLN5 gene. For these reasons, this variant has been classified as Likely Pathogenic (PM2 PM1 PVS1_Strong PP4_Moderate).

NM_006493.4(CLN5):c.525G>A (p.Trp175Ter)

Gene: CLN5 (CLN5 lysosomal BMP synthase; plus strand). Cytogenetic location: 13q22.3.
Variant type: single nucleotide variant.
Coding change: c.525G>A on transcript NM_006493.4 (MANE Select); coding-DNA position 525, G replaced by A.
Protein change: p.Trp175Ter; replaces tryptophan 175 with a stop codon.
Molecular consequence: nonsense.
Genome position (GRCh38, 1-based): chr13:76,996,087, G>A. VCF-style: chr13-76996087-G-A. GRCh37 (hg19) VCF-style: chr13-77570222-G-A.
Other names: c.525G>A, p.Trp175Ter (NM_001366624.2); short protein forms W175*, W224*.
Identifiers: ClinVar variation 2627621 (VCV002627621.2), dbSNP rs2501140694, ClinGen allele CA388309506.